The following is an entry in ClinVar:

ClinVar aggregate classification (germline): Conflicting classifications of pathogenicity. Review status: criteria provided, conflicting classifications (1 of 4 stars). 3 submissions from 3 submitters: Uncertain significance (1); Benign (1). 1 of the submissions does not count toward it. Last evaluated 2026-01-25.

Conditions:
VPS13A-related disorder. Also called: VPS13A-related condition.

Allele frequency attached by ClinVar (database versions not stated): gnomAD exomes 0.00010 and 0.00023; ExAC 0.00032; gnomAD 0.00092 and 0.00100; TOPMed 0.00100; ESP Exome Variant Server 0.00108; 1000 Genomes Project 0.00120; 1000 Genomes Project 30x 0.00141.
gnomAD v4.1: 298 of 1,613,414 alleles (0.018%); highest among the groups gnomAD compares: African/African-American, 0.35%; 2 homozygotes.

Submissions (3):

Labcorp Genetics (formerly Invitae), Labcorp
Classification: Benign. Last evaluated: 2026-01-25. Review status: criteria provided, single submitter. Criteria: Invitae Variant Classification Sherloc (09022015). Collection method: clinical testing. Allele origin: germline.

GeneDx
Classification: Uncertain significance. Last evaluated: 2024-09-04. Review status: criteria provided, single submitter. Criteria: GeneDx Variant Classification Process June 2021. Collection method: clinical testing. Allele origin: germline. Affected: yes.
Comment: Reported with a second VPS13A variant, phase unknown, in a patient with choreaacanthocytosis in published literature (PMID: 17044067); In silico analysis supports that this missense variant has a deleterious effect on protein structure/function; This variant is associated with the following publications: (PMID: 17044067)

PreventionGenetics, part of Exact Sciences
Classification: Likely benign for VPS13A-related condition. Last evaluated: 2019-12-06. Review status: no assertion criteria provided. Collection method: clinical testing. Allele origin: germline. Not counted in ClinVar's aggregate classification.
Comment: This variant is classified as likely benign based on ACMG/AMP sequence variant interpretation guidelines (Richards et al. 2015 PMID: 25741868, with internal and published modifications).

NM_033305.3(VPS13A):c.8016G>C (p.Lys2672Asn)

Gene: VPS13A (vacuolar protein sorting 13 homolog A; plus strand). Cytogenetic location: 9q21.2.
Variant type: single nucleotide variant.
Coding change: c.8016G>C on transcript NM_033305.3 (MANE Select); coding-DNA position 8016, G replaced by C.
Protein change: p.Lys2672Asn; replaces lysine 2672 with asparagine.
Molecular consequence: missense variant.
Genome position (GRCh38, 1-based): chr9:77,358,419, G>C. VCF-style: chr9-77358419-G-C. GRCh37 (hg19) VCF-style: chr9-79973335-G-C.
Other names: c.7899G>C, p.Lys2633Asn (NM_001018037.2); c.8016G>C, p.Lys2672Asn (NM_001018038.3, NM_015186.4); short protein forms K2633N, K2672N.
Identifiers: ClinVar variation 698754 (VCV000698754.14), dbSNP rs77984203, ClinGen allele CA5093502.